The following is an entry in ClinVar:

NM_001278116.2(L1CAM):c.401-16C>T

Gene: L1CAM (L1 cell adhesion molecule; minus strand). Cytogenetic location: Xq28.
Variant type: single nucleotide variant.
Coding change: c.401-16C>T on transcript NM_001278116.2 (MANE Select); 16 bases into the intron before coding-DNA position 401, C replaced by T.
Molecular consequence: intron variant.
Genome position (GRCh38, 1-based): chrX:153,871,195, G>A on the plus strand (C>T on the coding strand, the complement: L1CAM is on the minus strand). VCF-style: chrX-153871195-G-A. GRCh37 (hg19) VCF-style: chrX-153136650-G-A.
Other names: c.386-16C>T (NM_001143963.2); c.401-16C>T (NM_024003.3, NM_000425.5).
Identifiers: ClinVar variation 510806 (VCV000510806.4), dbSNP rs782088649, ClinGen allele CA10554591.
Genomic context (GRCh38, chrX:153,871,195, plus strand): 5'-CCACCTCCACGGGCTTCACTGTCTCCTTTGGCCACTTGGGGGCACCTAGAAGGGACAGAC[G>A]GGCTGACACTCTCCTCCTGGTCCAGATGGTGCTAGGCAGGAGAAGGGAGGTGGGGGCAGG-3'

ClinVar aggregate classification (germline): Likely benign. Review status: criteria provided, multiple submitters, no conflicts (2 of 4 stars). 2 submissions from 2 submitters: Likely benign (2). Last evaluated 2026-01-28.

Conditions:
Spastic paraplegia. Identifiers: MedGen C0037772, HP:0001258.

Allele frequency attached by ClinVar (database versions not stated): ExAC 0.00001; gnomAD exomes 0.00002.
gnomAD v4.1: 23 of 1,207,045 alleles (0.0019%); highest among the groups gnomAD compares: East Asian, 0.012%; no homozygotes.

Submissions (2):

Labcorp Genetics (formerly Invitae), Labcorp
Classification: Likely benign for Spastic paraplegia. Last evaluated: 2026-01-28. Review status: criteria provided, single submitter. Criteria: Invitae Variant Classification Sherloc (09022015). Collection method: clinical testing. Allele origin: germline.

GeneDx
Classification: Likely benign. Last evaluated: 2017-07-18. Review status: criteria provided, single submitter. Criteria: GeneDx Variant Classification (06012015). Collection method: clinical testing. Allele origin: germline. Affected: yes.
Comment: This variant is considered likely benign or benign based on one or more of the following criteria: it is a conservative change, it occurs at a poorly conserved position in the protein, it is predicted to be benign by multiple in silico algorithms, and/or has population frequency not consistent with disease.